The following is an entry in ClinVar:

ClinVar aggregate classification (germline): Likely benign. Review status: criteria provided, single submitter (1 of 4 stars). 2 submissions from 2 submitters: Likely benign (1). 1 of the submissions does not count toward it. Last evaluated 2023-09-24.

Conditions:
FREM2-related disorder. Also called: FREM2-related condition.

Allele frequency attached by ClinVar (database versions not stated): ExAC 0.00002.
gnomAD v4.1: 20 of 1,613,992 alleles (0.0012%); highest among the groups gnomAD compares: Admixed American, 0.01%; no homozygotes.

Submissions (2):

Labcorp Genetics (formerly Invitae), Labcorp
Classification: Likely benign. Last evaluated: 2023-09-24. Review status: criteria provided, single submitter. Criteria: Invitae Variant Classification Sherloc (09022015). Collection method: clinical testing. Allele origin: germline.

PreventionGenetics, part of Exact Sciences
Classification: Likely benign for FREM2-related condition. Last evaluated: 2023-03-25. Review status: no assertion criteria provided. Collection method: clinical testing. Allele origin: germline. Not counted in ClinVar's aggregate classification.
Comment: This variant is classified as likely benign based on ACMG/AMP sequence variant interpretation guidelines (Richards et al. 2015 PMID: 25741868, with internal and published modifications).

NM_207361.6(FREM2):c.1824G>T (p.Gly608=)

Gene: FREM2 (FRAS1 related extracellular matrix 2; plus strand). Cytogenetic location: 13q13.3.
Variant type: single nucleotide variant.
Coding change: c.1824G>T on transcript NM_207361.6 (MANE Select); coding-DNA position 1824, G replaced by T.
Protein change: p.Gly608=; no amino-acid change (glycine 608 retained).
Molecular consequence: synonymous variant.
Genome position (GRCh38, 1-based): chr13:38,689,168, G>T. VCF-style: chr13-38689168-G-T. GRCh37 (hg19) VCF-style: chr13-39263305-G-T.
Other names: c.1824G>T (NM_207361.5).
Identifiers: ClinVar variation 2886601 (VCV002886601.5), dbSNP rs762144113, ClinGen allele CA6954487.